The following is an entry in ClinVar:

ClinVar aggregate classification (germline): Uncertain significance (1 of 4 stars; one submission).

Conditions:
Fetal akinesia deformation sequence 1 (FADS1). Also called: Pena-Shokeir syndrome type I; Fetal akinesia sequence. Identifiers: Orphanet 994, MedGen C1276035, MONDO:0100101, OMIM 208150, HP:0001989.
Congenital myasthenic syndrome 9. Also called: Myasthenic syndrome, congenital, 9, associated with acetylcholine receptor deficiency. Identifiers: Orphanet 590, MedGen C4225368, MONDO:0014587, OMIM 616325.

Submission:

Labcorp Genetics (formerly Invitae), Labcorp
Classification: Uncertain significance for Congenital myasthenic syndrome 9; Fetal akinesia deformation sequence 1. Last evaluated: 2022-08-31. Review status: criteria provided, single submitter. Criteria: Invitae Variant Classification Sherloc (09022015). Collection method: clinical testing. Allele origin: germline.
Comment: In summary, the available evidence is currently insufficient to determine the role of this variant in disease. Therefore, it has been classified as a Variant of Uncertain Significance. Algorithms developed to predict the effect of missense changes on protein structure and function (SIFT, PolyPhen-2, Align-GVGD) all suggest that this variant is likely to be tolerated. ClinVar contains an entry for this variant (Variation ID: 1420891). This variant has not been reported in the literature in individuals affected with MUSK-related conditions. This variant is not present in population databases (gnomAD no frequency). This sequence change replaces lysine, which is basic and polar, with asparagine, which is neutral and polar, at codon 69 of the MUSK protein (p.Lys69Asn).

NM_005592.4(MUSK):c.207A>T (p.Lys69Asn)

Gene: MUSK (muscle associated receptor tyrosine kinase; plus strand). Cytogenetic location: 9q31.3.
Variant type: single nucleotide variant.
Coding change: c.207A>T on transcript NM_005592.4 (MANE Select); coding-DNA position 207, A replaced by T.
Protein change: p.Lys69Asn; replaces lysine 69 with asparagine.
Molecular consequence: missense variant.
Genome position (GRCh38, 1-based): chr9:110,687,117, A>T. VCF-style: chr9-110687117-A-T. GRCh37 (hg19) VCF-style: chr9-113449397-A-T.
Other names: c.207A>T, p.Lys69Asn (NM_001166280.2, NM_001166281.2); short protein forms K69N.
Identifiers: ClinVar variation 1420891 (VCV001420891.6), dbSNP rs2076206381, ClinGen allele CA374664144.